The following is an entry in ClinVar:

ClinVar aggregate classification (germline): Benign/Likely benign. Review status: criteria provided, multiple submitters, no conflicts (2 of 4 stars). 3 submissions from 3 submitters: Benign (1); Likely benign (2). Last evaluated 2024-10-23.

Conditions:
Hereditary cancer-predisposing syndrome. Also called: Tumor predisposition; Hereditary Cancer Syndrome; Neoplastic Syndromes, Hereditary; Hereditary neoplastic syndrome. Identifiers: Orphanet 140162, MedGen C0027672, MeSH D009386, MONDO:0015356.
Birt-Hogg-Dube syndrome. Also called: Birt Hogg Dubé syndrome. Identifiers: Orphanet 122, MedGen C0346010, MONDO:0800444.
Birt-Hogg-Dube syndrome 1 (BHD1). Also called: FIBROFOLLICULOMAS WITH TRICHODISCOMAS AND ACROCHORDONS. Identifiers: Orphanet 122, MedGen CN375946, MONDO:0800445, OMIM 135150.

Allele frequency attached by ClinVar (database versions not stated): gnomAD exomes below 0.00001.
gnomAD v4.1: 5 of 1,613,730 alleles (0.00031%); highest among the groups gnomAD compares: Non-Finnish European, 0.00042%; no homozygotes.

Submissions (3):

Myriad Genetics, Inc.
Classification: Benign for Birt-Hogg-Dube syndrome 1. Last evaluated: 2024-10-23. Review status: criteria provided, single submitter. Criteria: Myriad Autosomal Dominant, Autosomal Recessive and X-Linked Classification Criteria (2023). Collection method: clinical testing. Allele origin: unknown.
Comment: This variant is considered benign. This variant is a silent/synonymous amino acid change and it is not expected to impact splicing.

Labcorp Genetics (formerly Invitae), Labcorp
Classification: Likely benign for Birt-Hogg-Dube syndrome. Last evaluated: 2024-02-12. Review status: criteria provided, single submitter. Criteria: Invitae Variant Classification Sherloc (09022015). Collection method: clinical testing. Allele origin: germline.

Ambry Genetics
Classification: Likely benign for Hereditary cancer-predisposing syndrome. Last evaluated: 2022-07-15. Review status: criteria provided, single submitter. Criteria: Ambry Variant Classification Scheme 2023. Collection method: clinical testing. Allele origin: germline.

NM_144997.7(FLCN):c.480C>T (p.Asp160=)

Gene: FLCN (folliculin; minus strand). Cytogenetic location: 17p11.2.
Variant type: single nucleotide variant.
Coding change: c.480C>T on transcript NM_144997.7 (MANE Select); coding-DNA position 480, C replaced by T.
Protein change: p.Asp160=; no amino-acid change (aspartic acid 160 retained).
Molecular consequence: synonymous variant.
Genome position (GRCh38, 1-based): chr17:17,224,060, G>A on the plus strand (C>T on the coding strand, the complement: FLCN is on the minus strand). VCF-style: chr17-17224060-G-A. GRCh37 (hg19) VCF-style: chr17-17127374-G-A.
Other names: c.534C>T, p.Asp178= (NM_001353229.2); c.480C>T, p.Asp160= (NM_001353230.2, NM_001353231.2, NM_144606.7).
Identifiers: ClinVar variation 762624 (VCV000762624.10), dbSNP rs1597607089, ClinGen allele CA498166444.